The following is an entry in ClinVar:

ClinVar aggregate classification (germline): Uncertain significance (1 of 4 stars; one submission).

Conditions:
Dilated cardiomyopathy 1DD (CMD1DD). Identifiers: Orphanet 154, MedGen C2750995, MONDO:0013168, OMIM 613172.

gnomAD v4.1: 1 of 1,551,492 alleles (0.000064%); highest among the groups gnomAD compares: Non-Finnish European, 0.000087%; no homozygotes.

Submission:

Labcorp Genetics (formerly Invitae), Labcorp
Classification: Uncertain significance for Dilated cardiomyopathy 1DD. Last evaluated: 2024-12-23. Review status: criteria provided, single submitter. Criteria: Invitae Variant Classification Sherloc (09022015). Collection method: clinical testing. Allele origin: germline.
Comment: This sequence change replaces aspartic acid, which is acidic and polar, with valine, which is neutral and non-polar, at codon 698 of the RBM20 protein (p.Asp698Val). This variant is not present in population databases (gnomAD no frequency). This variant has not been reported in the literature in individuals affected with RBM20-related conditions. Invitae Evidence Modeling of protein sequence and biophysical properties (such as structural, functional, and spatial information, amino acid conservation, physicochemical variation, residue mobility, and thermodynamic stability) indicates that this missense variant is not expected to disrupt RBM20 protein function with a negative predictive value of 95%. In summary, the available evidence is currently insufficient to determine the role of this variant in disease. Therefore, it has been classified as a Variant of Uncertain Significance.

NM_001134363.3(RBM20):c.2093A>T (p.Asp698Val)

Gene: RBM20 (RNA binding motif protein 20; plus strand). Cytogenetic location: 10q25.2.
Variant type: single nucleotide variant.
Coding change: c.2093A>T on transcript NM_001134363.3 (MANE Select); coding-DNA position 2093, A replaced by T.
Protein change: p.Asp698Val; replaces aspartic acid 698 with valine.
Molecular consequence: missense variant.
Genome position (GRCh38, 1-based): chr10:110,812,490, A>T. VCF-style: chr10-110812490-A-T. GRCh37 (hg19) VCF-style: chr10-112572248-A-T.
Other names: short protein forms D698V.
Identifiers: ClinVar variation 3699156 (VCV003699156.2).